The following is an entry in ClinVar:

ClinVar aggregate classification (germline): Likely benign (1 of 4 stars; one submission).

gnomAD v4.1: 3 of 1,613,980 alleles (0.00019%); highest among the groups gnomAD compares: South Asian, 0.0022%; no homozygotes.

Submission:

CeGaT Center for Human Genetics Tuebingen
Classification: Likely benign. Last evaluated: 2025-04-01. Review status: criteria provided, single submitter. Criteria: CeGaT Center For Human Genetics Tuebingen Variant Classification Criteria Version 2. Collection method: clinical testing. Allele origin: germline. Affected: yes. Observed: 1 variant allele.
Comment: PIGV: BP4, BP7

NM_017837.4(PIGV):c.813C>T (p.Pro271=)

Gene: PIGV (phosphatidylinositol glycan anchor biosynthesis class V; plus strand). Cytogenetic location: 1p36.11.
Variant type: single nucleotide variant.
Coding change: c.813C>T on transcript NM_017837.4 (MANE Select); coding-DNA position 813, C replaced by T.
Protein change: p.Pro271=; no amino-acid change (proline 271 retained).
Molecular consequence: synonymous variant. On other transcripts: non-coding transcript variant (1), intron variant (1).
Genome position (GRCh38, 1-based): chr1:26,794,847, C>T. VCF-style: chr1-26794847-C-T. GRCh37 (hg19) VCF-style: chr1-27121338-C-T.
Other names: c.813C>T, p.Pro271= (NM_001202554.2, NM_001374478.1, NM_001374480.1 and 2 more transcripts); c.432C>T, p.Pro144= (NM_001374483.1); c.186C>T, p.Pro62= (NM_001374484.1, NM_001374485.1); c.79-2716C>T (NM_001374486.1).
Identifiers: ClinVar variation 3898534 (VCV003898534.7).
Genomic context (GRCh38, chr1:26,794,847, plus strand): 5'-CTTTGCCCTCTTTCAGTATTATGCCTACACCCAATTCTGTCTGCCAGGCTCAGCCCGCCC[C>T]ATTCCTGAGCCTTTGGTACAGTTAGCTGTAGACAAGGGCTACCGGATTGCAGAGGGAAAT-3'
Protein context (NP_060307.2, residues 261-281): TQFCLPGSAR[Pro271=]IPEPLVQLAV